The following is an entry in ClinVar:

ClinVar aggregate classification (germline): Pathogenic. Review status: reviewed by expert panel (3 of 4 stars). 3 submissions from 3 submitters: Pathogenic (1). 2 of the submissions do not count toward it. Last evaluated 2016-10-18.

Conditions:
Hereditary breast ovarian cancer syndrome. Also called: Hereditary breast and ovarian cancer; Hereditary breast and ovarian cancer syndrome (HBOC); Hereditary breast and/or ovarian cancer syndrome; Breast and ovarian cancer; Hereditary breast and ovarian cancer syndrome; BRCA1- and BRCA2-Associated Hereditary Breast and Ovarian Cancer. Identifiers: Orphanet 145, MedGen C0677776, MeSH D061325, MONDO:0003582. Disease mechanism: loss of function.
Breast-ovarian cancer, familial, susceptibility to, 2 (BROVCA2). Also called: BRCA2 Hereditary Breast and Ovarian Cancer. Identifiers: Orphanet 145, MedGen C2675520, MONDO:0012933, OMIM 612555. Disease mechanism: loss of function.

Submissions (3):

Evidence-based Network for the Interpretation of Germline Mutant Alleles (ENIGMA)
Classification: Pathogenic for Breast-ovarian cancer, familial, susceptibility to, 2. Last evaluated: 2016-10-18. Review status: reviewed by expert panel. Criteria: ENIGMA BRCA1/2 Classification Criteria (2015). Collection method: curation. Allele origin: germline.
Comment: Variant allele predicted to encode a truncated non-functional protein.

Labcorp Genetics (formerly Invitae), Labcorp
Classification: Pathogenic for Hereditary breast ovarian cancer syndrome. Last evaluated: 2020-07-15. Review status: criteria provided, single submitter. Criteria: Invitae Variant Classification Sherloc (09022015). Collection method: clinical testing. Allele origin: germline. Not counted in ClinVar's aggregate classification.
Comment: For these reasons, this variant has been classified as Pathogenic. This sequence change creates a premature translational stop signal (p.Asn1319Lysfs*3) in the BRCA2 gene. It is expected to result in an absent or disrupted protein product. This variant is not present in population databases (ExAC no frequency). This variant has been observed in individual(s) with breast cancer (PMID: 26757417, 28993434). ClinVar contains an entry for this variant (Variation ID: 266782). Loss-of-function variants in BRCA2 are known to be pathogenic (PMID: 20104584).

Consortium of Investigators of Modifiers of BRCA1/2 (CIMBA), c/o University of Cambridge
Classification: Pathogenic for Breast-ovarian cancer, familial, susceptibility to, 2. Last evaluated: 2015-10-02. Review status: criteria provided, single submitter. Criteria: CIMBA Mutation Classification guidelines May 2016. Collection method: clinical testing. Allele origin: germline. Not counted in ClinVar's aggregate classification.

Literature cited by the submitters: PubMed 26757417 (cited by Labcorp Genetics (formerly Invitae), Labcorp); PubMed 28993434 (cited by Labcorp Genetics (formerly Invitae), Labcorp); PubMed 20104584 (cited by Labcorp Genetics (formerly Invitae), Labcorp).

NM_000059.4(BRCA2):c.3957_3958del (p.Asn1319fs)

Gene: BRCA2 (BRCA2 DNA repair associated; plus strand). Cytogenetic location: 13q13.1.
Variant type: Deletion.
Coding change: c.3957_3958del on transcript NM_000059.4 (MANE Select); coding-DNA positions 3957 to 3958, 2 bases deleted (TG; older notation c.3957_3958delTG).
Protein change: p.Asn1319fs; shifts the reading frame from asparagine 1319.
Molecular consequence: frameshift variant.
Genome position (GRCh38, 1-based): chr13:32,338,312-32,338,313, TG deleted. VCF-style (leftmost placement, unchanged base first): chr13-32338311-ATG-A. GRCh37 (hg19) VCF-style: chr13-32912448-ATG-A.
Other names: 4185delTG; short protein forms N1319fs.
Identifiers: ClinVar variation 266782 (VCV000266782.14), dbSNP rs886040504, ClinGen allele CA10589232.